The following is an entry in ClinVar:

ClinVar aggregate classification (germline): other (0 of 4 stars; one submission).

Conditions:
Familial colorectal cancer. Identifiers: MedGen CN280943, MONDO:0023113. Disease mechanism: loss of function.

Submission:

Systems Biology Platform Zhejiang California International NanoSystems Institute
Classification: other for Familial colorectal cancer. Review status: no assertion criteria provided. Collection method: not provided. Allele origin: unknown.
ClinVar note: Converted during submission from cancer to other.

NM_000038.6(APC):c.135+3583G>C

Gene: APC (APC regulator of WNT signaling pathway; plus strand). Cytogenetic location: 5q22.2.
Variant type: single nucleotide variant.
Coding change: c.135+3583G>C on transcript NM_000038.6 (MANE Select); 3583 bases into the intron after coding-DNA position 135, G replaced by C.
Molecular consequence: intron variant.
Genome position (GRCh38, 1-based): chr5:112,758,608, G>C. VCF-style: chr5-112758608-G-C. GRCh37 (hg19) VCF-style: chr5-112094305-G-C.
Other names: c.135+3583G>C (NM_001354895.2, NM_001127510.3, NM_001354896.2 and 2 more transcripts); c.166-7718G>C (NM_001354897.2, NM_001354902.2, NM_001127511.3); c.61-7718G>C (NM_001354898.2, NM_001354904.2); c.-901+3583G>C (NM_001354906.2); c.-42-7718G>C (NM_001354900.2, NM_001354901.2, NM_001354905.2).
Identifiers: ClinVar variation 82828 (VCV000082828.2), dbSNP rs75330662, ClinGen allele CA004324.